The following is an entry in ClinVar:

NM_139315.3(TAF6):c.1316G>A (p.Arg439His)

Genes: AP4M1 (adaptor related protein complex 4 subunit mu 1; plus strand), TAF6 (TATA-box binding protein associated factor 6; minus strand). Cytogenetic location: 7q22.1.
Variant type: single nucleotide variant.
Coding change: c.1316G>A on transcript NM_139315.3 (MANE Select); coding-DNA position 1316, G replaced by A.
Protein change: p.Arg439His; replaces arginine 439 with histidine.
Molecular consequence: missense variant. On other transcripts: non-coding transcript variant (1), 3 prime UTR variant (2).
Genome position (GRCh38, 1-based): chr7:100,108,509, C>T on the plus strand (G>A on the coding strand, the complement: TAF6 is on the minus strand). VCF-style: chr7-100108509-C-T. GRCh37 (hg19) VCF-style: chr7-99706132-C-T.
Other names: c.1427G>A, p.Arg476His (NM_001190415.2); c.1316G>A, p.Arg439His (NM_001364998.1, NM_001364999.1, NM_005641.4); c.1286G>A, p.Arg429His (NM_001365000.1, NM_001365001.1, NM_001365002.1 and 1 more transcripts); c.1454G>A, p.Arg485His (NM_001365004.1); c.*1627C>T (NM_001363671.2, NM_004722.4); short protein forms R485H, R439H, R476H, R429H.
Identifiers: ClinVar variation 3716588 (VCV003716588.2).

ClinVar aggregate classification (germline): Uncertain significance (1 of 4 stars; one submission).

gnomAD v4.1: 67 of 1,612,404 alleles (0.0042%); highest among the groups gnomAD compares: South Asian, 0.057%; 1 homozygote.

Submission:

Labcorp Genetics (formerly Invitae), Labcorp
Classification: Uncertain significance. Last evaluated: 2025-04-28. Review status: criteria provided, single submitter. Criteria: Invitae Variant Classification Sherloc (09022015). Collection method: clinical testing. Allele origin: germline.
Comment: This sequence change replaces arginine, which is basic and polar, with histidine, which is basic and polar, at codon 439 of the TAF6 protein (p.Arg439His). This variant is present in population databases (rs766556536, gnomAD 0.07%), and has an allele count higher than expected for a pathogenic variant. This variant has not been reported in the literature in individuals affected with TAF6-related conditions. ClinVar contains an entry for this variant (Variation ID: 3716588). Invitae Evidence Modeling of protein sequence and biophysical properties (such as structural, functional, and spatial information, amino acid conservation, physicochemical variation, residue mobility, and thermodynamic stability) indicates that this missense variant is not expected to disrupt TAF6 protein function with a negative predictive value of 80%. In summary, the available evidence is currently insufficient to determine the role of this variant in disease. Therefore, it has been classified as a Variant of Uncertain Significance.